The following is an entry in ClinVar:

ClinVar aggregate classification (germline): Uncertain significance (1 of 4 stars; one submission).

Conditions:
Neurofibromatosis, type 1 (NF1). Also called: Peripheral type neurofibromatosis; VON RECKLINGHAUSEN DISEASE; Neurofibromatosis, type I; NEUROFIBROMATOSIS, TYPE I, SOMATIC. Identifiers: Orphanet 636, MedGen C0027831, MONDO:0018975, OMIM 162200. Disease mechanism: loss of function.

Allele frequency attached by ClinVar (database versions not stated): TOPMed below 0.00001.

Submission:

Labcorp Genetics (formerly Invitae), Labcorp
Classification: Uncertain significance for Neurofibromatosis, type 1. Last evaluated: 2023-08-09. Review status: criteria provided, single submitter. Criteria: Invitae Variant Classification Sherloc (09022015). Collection method: clinical testing. Allele origin: germline.
Comment: In summary, the available evidence is currently insufficient to determine the role of this variant in disease. Therefore, it has been classified as a Variant of Uncertain Significance. Advanced modeling of protein sequence and biophysical properties (such as structural, functional, and spatial information, amino acid conservation, physicochemical variation, residue mobility, and thermodynamic stability) performed at Invitae indicates that this missense variant is expected to disrupt NF1 protein function. This variant has not been reported in the literature in individuals affected with NF1-related conditions. This variant is not present in population databases (gnomAD no frequency). This sequence change replaces valine, which is neutral and non-polar, with alanine, which is neutral and non-polar, at codon 2588 of the NF1 protein (p.Val2588Ala).

NM_001042492.3(NF1):c.7826T>C (p.Val2609Ala)

Gene: NF1 (neurofibromin 1; plus strand). Cytogenetic location: 17q11.2.
Variant type: single nucleotide variant.
Coding change: c.7826T>C on transcript NM_001042492.3 (MANE Select); coding-DNA position 7826, T replaced by C.
Protein change: p.Val2609Ala; replaces valine 2609 with alanine.
Molecular consequence: missense variant.
Genome position (GRCh38, 1-based): chr17:31,357,047, T>C. VCF-style: chr17-31357047-T-C. GRCh37 (hg19) VCF-style: chr17-29684065-T-C.
Other names: c.7763T>C, p.Val2588Ala (NM_000267.4); short protein forms V2588A, V2609A.
Identifiers: ClinVar variation 3008257 (VCV003008257.3), dbSNP rs2070289296, ClinGen allele CA399018592.